The following is an entry in ClinVar:

NM_000552.5(VWF):c.7732C>T (p.Arg2578Cys)

Gene: VWF (von Willebrand factor; minus strand). Cytogenetic location: 12p13.31.
Variant type: single nucleotide variant.
Coding change: c.7732C>T on transcript NM_000552.5 (MANE Select); coding-DNA position 7732, C replaced by T.
Protein change: p.Arg2578Cys; replaces arginine 2578 with cysteine.
Molecular consequence: missense variant.
Genome position (GRCh38, 1-based): chr12:5,968,165, G>A on the plus strand (C>T on the coding strand, the complement: VWF is on the minus strand). VCF-style: chr12-5968165-G-A. GRCh37 (hg19) VCF-style: chr12-6077331-G-A.
Other names: p.Arg2578Cys; c.7732C>T (NM_000552.4); short protein forms R2578C.
Identifiers: ClinVar variation 627376 (VCV000627376.3), dbSNP rs369970893, ClinGen allele CA6401558.

ClinVar aggregate classification (germline): Conflicting classifications of pathogenicity. Review status: criteria provided, conflicting classifications (1 of 4 stars). 2 submissions from 2 submitters: Likely pathogenic (1); Uncertain significance (1). Last evaluated 2024-04-25.

Conditions:
Hereditary von Willebrand disease. Identifiers: Orphanet 903, MedGen C5703318, MONDO:0019565. Inheritance: Autosomal recessive or Autosomal dominant.

Allele frequency attached by ClinVar (database versions not stated): gnomAD exomes 0.00001; ExAC 0.00002; TOPMed 0.00002; gnomAD 0.00004; ESP Exome Variant Server 0.00008.
gnomAD v4.1: 21 of 1,613,910 alleles (0.0013%); highest among the groups gnomAD compares: African/African-American, 0.008%; no homozygotes.

Submissions (2):

Mayo Clinic Laboratories, Mayo Clinic
Classification: Uncertain significance. Last evaluated: 2024-04-25. Review status: criteria provided, single submitter. Criteria: ACMG Guidelines, 2015. Collection method: clinical testing. Allele origin: germline. Observed: 2 variant alleles.
Comment: BP4, PM2_moderate

NIHR Bioresource Rare Diseases, University of Cambridge
Classification: Likely pathogenic for von Willebrand disorder. Last evaluated: 2019-02-01. Review status: criteria provided, single submitter. Criteria: ACMG Guidelines, 2015. Collection method: research. Allele origin: unknown. Affected: yes. Observed: 1 homozygote. Study: ThromboGenomics.

Literature cited by the submitters: PubMed 27734074 (cited by Mayo Clinic Laboratories, Mayo Clinic); PubMed 31064749 (cited by Mayo Clinic Laboratories, Mayo Clinic and NIHR Bioresource Rare Diseases, University of Cambridge).